The following is an entry in ClinVar:

NM_017934.7(PHIP):c.120C>T (p.Ala40=)

Gene: PHIP (PHIP subunit of CUL4-Ring ligase complex; minus strand). Cytogenetic location: 6q14.1.
Variant type: single nucleotide variant.
Coding change: c.120C>T on transcript NM_017934.7 (MANE Select); coding-DNA position 120, C replaced by T.
Protein change: p.Ala40=; no amino-acid change (alanine 40 retained).
Molecular consequence: synonymous variant.
Genome position (GRCh38, 1-based): chr6:79,077,709, G>A on the plus strand (C>T on the coding strand, the complement: PHIP is on the minus strand). VCF-style: chr6-79077709-G-A. GRCh37 (hg19) VCF-style: chr6-79787426-G-A.
Other names: c.120C>T (NM_017934.6).
Identifiers: ClinVar variation 1976347 (VCV001976347.7), dbSNP rs1053054217, ClinGen allele CA142190083.

ClinVar aggregate classification (germline): Benign. Review status: criteria provided, single submitter (1 of 4 stars). 2 submissions from 2 submitters: Benign (1). 1 of the submissions does not count toward it. Last evaluated 2025-03-17.

Conditions:
PHIP-related disorder. Also called: PHIP-related disorders; PHIP-related condition.

gnomAD v4.1: 94 of 1,012,562 alleles (0.0093%); highest among the groups gnomAD compares: Non-Finnish European, 0.011%; no homozygotes.

Submissions (2):

Labcorp Genetics (formerly Invitae), Labcorp
Classification: Benign. Last evaluated: 2025-03-17. Review status: criteria provided, single submitter. Criteria: Invitae Variant Classification Sherloc (09022015). Collection method: clinical testing. Allele origin: germline.

PreventionGenetics, part of Exact Sciences
Classification: Likely benign for PHIP-related condition. Last evaluated: 2023-02-16. Review status: no assertion criteria provided. Collection method: clinical testing. Allele origin: germline. Not counted in ClinVar's aggregate classification.
Comment: This variant is classified as likely benign based on ACMG/AMP sequence variant interpretation guidelines (Richards et al. 2015 PMID: 25741868, with internal and published modifications).